The following is an entry in ClinVar:

ClinVar aggregate classification (germline): Uncertain significance (1 of 4 stars; one submission).

Conditions:
Leber congenital amaurosis 1 (LCA1). Also called: RETINAL BLINDNESS, CONGENITAL; AMAUROSIS CONGENITA OF LEBER I; Congenital absence of the rods and cones; Leber's congenital tapetoretinal degeneration; Leber's congenital tapetoretinal dysplasia. Identifiers: Orphanet 65, MedGen C2931258, MONDO:0008764, OMIM 204000.
Cone-rod dystrophy 6 (CORD6). Also called: RETINAL CONE DYSTROPHY 2; Cone dystrophy progressive. Identifiers: Orphanet 1872, MedGen C1866293, MONDO:0011143, OMIM 601777.

gnomAD v4.1: 4 of 1,612,144 alleles (0.00025%); highest among the groups gnomAD compares: Non-Finnish European, 0.00034%; no homozygotes.

Submission:

Labcorp Genetics (formerly Invitae), Labcorp
Classification: Uncertain significance for Leber congenital amaurosis 1; Cone-rod dystrophy 6. Last evaluated: 2024-03-19. Review status: criteria provided, single submitter. Criteria: Invitae Variant Classification Sherloc (09022015). Collection method: clinical testing. Allele origin: germline.
Comment: This sequence change replaces arginine, which is basic and polar, with leucine, which is neutral and non-polar, at codon 1008 of the GUCY2D protein (p.Arg1008Leu). The frequency data for this variant in the population databases is considered unreliable, as metrics indicate poor data quality at this position in the gnomAD database. This variant has not been reported in the literature in individuals affected with GUCY2D-related conditions. Advanced modeling of protein sequence and biophysical properties (such as structural, functional, and spatial information, amino acid conservation, physicochemical variation, residue mobility, and thermodynamic stability) performed at Invitae indicates that this missense variant is not expected to disrupt GUCY2D protein function with a negative predictive value of 80%. In summary, the available evidence is currently insufficient to determine the role of this variant in disease. Therefore, it has been classified as a Variant of Uncertain Significance.

NM_000180.4(GUCY2D):c.3023G>T (p.Arg1008Leu)

Gene: GUCY2D (guanylate cyclase 2D, retinal; plus strand). Cytogenetic location: 17p13.1.
Variant type: single nucleotide variant.
Coding change: c.3023G>T on transcript NM_000180.4 (MANE Select); coding-DNA position 3023, G replaced by T.
Protein change: p.Arg1008Leu; replaces arginine 1008 with leucine.
Molecular consequence: missense variant.
Genome position (GRCh38, 1-based): chr17:8,015,821, G>T. VCF-style: chr17-8015821-G-T. GRCh37 (hg19) VCF-style: chr17-7919139-G-T.
Other names: short protein forms R1008L.
Identifiers: ClinVar variation 3750941 (VCV003750941.2).